The following is an entry in ClinVar:

NM_001035.3(RYR2):c.10038G>A (p.Gly3346=)

Gene: RYR2 (ryanodine receptor 2; plus strand). Cytogenetic location: 1q43.
Variant type: single nucleotide variant.
Coding change: c.10038G>A on transcript NM_001035.3 (MANE Select); coding-DNA position 10038, G replaced by A.
Protein change: p.Gly3346=; no amino-acid change (glycine 3346 retained).
Molecular consequence: synonymous variant.
Genome position (GRCh38, 1-based): chr1:237,708,994, G>A. VCF-style: chr1-237708994-G-A. GRCh37 (hg19) VCF-style: chr1-237872294-G-A.
Other names: c.10038G>A (NM_001035.2).
Identifiers: ClinVar variation 2083209 (VCV002083209.7), dbSNP rs1688603578, ClinGen allele CA077088.

ClinVar aggregate classification (germline): Likely benign. Review status: criteria provided, multiple submitters, no conflicts (2 of 4 stars). 3 submissions from 3 submitters: Likely benign (3). Last evaluated 2025-06-22.

Conditions:
Catecholaminergic polymorphic ventricular tachycardia (CVPT). Also called: Catecholamine-induced polymorphic ventricular tachycardia. Identifiers: Orphanet 3286, MedGen C5574922, MONDO:0017990.
Catecholaminergic polymorphic ventricular tachycardia 1. Also called: VENTRICULAR TACHYCARDIA, CATECHOLAMINERGIC POLYMORPHIC, 1, WITH OR WITHOUT ATRIAL DYSFUNCTION AND/OR DILATED CARDIOMYOPATHY; RYR2-Related Catecholaminergic Polymorphic Ventricular Tachycardia; VENTRICULAR TACHYCARDIA, STRESS-INDUCED POLYMORPHIC 1. Identifiers: Orphanet 3286, MedGen C1631597, MONDO:0011484, OMIM 604772.
Cardiovascular phenotype. Identifiers: MedGen CN230736.

Allele frequency attached by ClinVar (database versions not stated): TOPMed below 0.00001; gnomAD 0.00001.
gnomAD v4.1: 4 of 1,613,500 alleles (0.00025%); highest among the groups gnomAD compares: Non-Finnish European, 0.00025%; no homozygotes.

Submissions (3):

Labcorp Genetics (formerly Invitae), Labcorp
Classification: Likely benign for Catecholaminergic polymorphic ventricular tachycardia 1. Last evaluated: 2025-06-22. Review status: criteria provided, single submitter. Criteria: Invitae Variant Classification Sherloc (09022015). Collection method: clinical testing. Allele origin: germline.

All of Us Research Program, National Institutes of Health
Classification: Likely benign for Catecholaminergic polymorphic ventricular tachycardia. Last evaluated: 2023-12-18. Review status: criteria provided, single submitter. Criteria: ACMG Guidelines, 2015. Collection method: clinical testing. Allele origin: germline. Inheritance: Autosomal dominant inheritance. Observed: 1 variant allele, 1 heterozygote.
Comment: This study involves interpretation of variants in research participants for the purpose of population health screening. Participant phenotype was not available at the time of variant classification. Additional details can be found in publication PMID: 35346344, PMCID: PMC8962531

Ambry Genetics
Classification: Likely benign for Cardiovascular phenotype. Last evaluated: 2023-06-03. Review status: criteria provided, single submitter. Criteria: Ambry Variant Classification Scheme 2023. Collection method: clinical testing. Allele origin: germline.